The following is an entry in ClinVar:

NM_020987.5(ANK3):c.12060G>T (p.Lys4020Asn)

Gene: ANK3 (ankyrin 3; minus strand). Cytogenetic location: 10q21.2.
Variant type: single nucleotide variant.
Coding change: c.12060G>T on transcript NM_020987.5 (MANE Select); coding-DNA position 12060, G replaced by T.
Protein change: p.Lys4020Asn; replaces lysine 4020 with asparagine.
Molecular consequence: missense variant. On other transcripts: intron variant (4).
Genome position (GRCh38, 1-based): chr10:60,068,821, C>A on the plus strand (G>T on the coding strand, the complement: ANK3 is on the minus strand). VCF-style: chr10-60068821-C-A. GRCh37 (hg19) VCF-style: chr10-61828579-C-A.
Other names: c.4388-812G>T (NM_001204403.2); c.4409-812G>T (NM_001204404.2); c.4406-812G>T (NM_001320874.2); c.1808-812G>T (NM_001149.4); short protein forms K4020N.
Identifiers: ClinVar variation 2633312 (VCV002633312.1), dbSNP rs758136618, ClinGen allele CA376995364.

ClinVar aggregate classification (germline): Uncertain significance (1 of 4 stars; one submission).

Conditions:
ANK3-related disorder. Also called: ANK3-related condition.

gnomAD v4.1: 1 of 1,614,172 alleles (0.000062%); highest among the groups gnomAD compares: Non-Finnish European, 0.000085%; no homozygotes.

Submission:

PreventionGenetics, part of Exact Sciences
Classification: Uncertain significance for ANK3-related condition. Last evaluated: 2023-05-11. Review status: criteria provided, single submitter. Criteria: ACMG Guidelines, 2015. Collection method: clinical testing. Allele origin: germline.
Comment: The ANK3 c.12060G>T variant is predicted to result in the amino acid substitution p.Lys4020Asn. To our knowledge, this variant has not been reported in the literature or in a large population database, indicating this variant is rare. At this time, the clinical significance of this variant is uncertain due to the absence of conclusive functional and genetic evidence.